The following is an entry in ClinVar:

NM_000059.4(BRCA2):c.7806-1G>C

Gene: BRCA2 (BRCA2 DNA repair associated; plus strand). Cytogenetic location: 13q13.1.
Variant type: single nucleotide variant.
Coding change: c.7806-1G>C on transcript NM_000059.4 (MANE Select); the canonical splice acceptor site of the intron before coding-DNA position 7806, G replaced by C.
Molecular consequence: splice acceptor variant.
Genome position (GRCh38, 1-based): chr13:32,362,522, G>C. VCF-style: chr13-32362522-G-C. GRCh37 (hg19) VCF-style: chr13-32936659-G-C.
Other names: c.7806-1G>C (NM_001406720.1); c.7710-1G>C (NM_001406719.1); c.2874-1G>C (NM_001406721.1); c.1389-1G>C (NM_001406722.1).
Identifiers: ClinVar variation 850778 (VCV000850778.11), dbSNP rs81002860, ClinGen allele CA387746915.

ClinVar aggregate classification (germline): Pathogenic/Likely pathogenic. Review status: criteria provided, multiple submitters, no conflicts (2 of 4 stars). 3 submissions from 3 submitters: Pathogenic (2); Likely pathogenic (1). Last evaluated 2025-05-15.

Conditions:
Hereditary breast ovarian cancer syndrome. Also called: Hereditary breast and ovarian cancer syndrome; Breast and ovarian cancer; Hereditary breast and/or ovarian cancer syndrome; Hereditary breast and ovarian cancer; BRCA1- and BRCA2-Associated Hereditary Breast and Ovarian Cancer; Hereditary breast and ovarian cancer syndrome (HBOC). Identifiers: Orphanet 145, MedGen C0677776, MeSH D061325, MONDO:0003582. Disease mechanism: loss of function.
Hereditary cancer-predisposing syndrome. Also called: Tumor predisposition; Neoplastic Syndromes, Hereditary; Hereditary neoplastic syndrome; Hereditary Cancer Syndrome. Identifiers: Orphanet 140162, MedGen C0027672, MeSH D009386, MONDO:0015356.

Submissions (3):

GeneKor MSA
Classification: Pathogenic for Hereditary breast ovarian cancer syndrome. Last evaluated: 2025-05-15. Review status: criteria provided, single submitter. Criteria: ACMG Guidelines, 2015. Collection method: clinical testing. Allele origin: germline.
Comment: This sequence change affects an acceptor splice site in intron 16 of the BRCA2 gene. This nucleotide position is highly conserved in available vertebrate species. Disruption of this splice site induces altered splicing and may result in an absent or disrupted protein product. This variant is not present in population databases (rs81002860). Disruption of this splice site has been observed in individuals with BRCA2-related conditions (PMID:10449599, 12461697, 18439106, 18783588, 21232165, 23199084). It has also been observed to segregate with disease in related individuals. ClinVar contains entries for this variant (VCV000850778.9). Based on the classification criteria set by the ACMG and AMP (PMID:25741868) this variant has been classified as pathogenic.

Labcorp Genetics (formerly Invitae), Labcorp
Classification: Pathogenic for Hereditary breast ovarian cancer syndrome. Last evaluated: 2022-11-15. Review status: criteria provided, single submitter. Criteria: Invitae Variant Classification Sherloc (09022015). Collection method: clinical testing. Allele origin: germline.
Comment: ClinVar contains an entry for this variant (Variation ID: 850778). For these reasons, this variant has been classified as Pathogenic. Studies have shown that disruption of this splice site results in activation of a cryptic splice site and introduces a premature termination codon (Invitae). The resulting mRNA is expected to undergo nonsense-mediated decay. Disruption of this splice site has been observed in individual(s) with BRCA2-related conditions (PMID: 10449599, 12461697, 18439106, 18783588, 21232165, 23199084). It has also been observed to segregate with disease in related individuals. This variant is not present in population databases (gnomAD no frequency). This sequence change affects an acceptor splice site in intron 16 of the BRCA2 gene. RNA analysis indicates that disruption of this splice site induces altered splicing and may result in an absent or disrupted protein product.

Ambry Genetics
Classification: Likely pathogenic for Hereditary cancer-predisposing syndrome. Last evaluated: 2021-06-14. Review status: criteria provided, single submitter. Criteria: Ambry Variant Classification Scheme 2023. Collection method: clinical testing. Allele origin: germline.
Comment: The c.7806-1G>C intronic variant results from a G to C substitution one nucleotide upstream from coding exon 16 of the BRCA2 gene. This variant is considered to be rare based on population cohorts in the Genome Aggregation Database (gnomAD). This nucleotide position is highly conserved in available vertebrate species. In silico splice site analysis predicts that this alteration will weaken the native splice acceptor site and will result in the creation or strengthening of a novel splice acceptor site, however, direct evidence is insufficient at this time (Ambry internal data). Alterations that disrupt the canonical splice site are expected to cause aberrant splicing, resulting in an abnormal protein or a transcript that is subject to nonsense-mediated mRNA decay. As such, this alteration is classified as likely pathogenic.

Literature cited by the submitters: PubMed 10449599 (cited by GeneKor MSA and Labcorp Genetics (formerly Invitae), Labcorp); PubMed 12461697 (cited by GeneKor MSA and Labcorp Genetics (formerly Invitae), Labcorp); PubMed 18439106 (cited by GeneKor MSA and Labcorp Genetics (formerly Invitae), Labcorp); PubMed 18783588 (cited by GeneKor MSA and Labcorp Genetics (formerly Invitae), Labcorp); PubMed 21232165 (cited by GeneKor MSA and Labcorp Genetics (formerly Invitae), Labcorp); PubMed 23199084 (cited by GeneKor MSA and Labcorp Genetics (formerly Invitae), Labcorp).